The following is an entry in ClinVar:

NM_006158.5(NEFL):c.1397C>A (p.Ala466Asp)

Gene: NEFL (neurofilament light chain; minus strand). Cytogenetic location: 8p21.2.
Variant type: single nucleotide variant.
Coding change: c.1397C>A on transcript NM_006158.5 (MANE Select); coding-DNA position 1397, C replaced by A.
Protein change: p.Ala466Asp; replaces alanine 466 with aspartic acid.
Molecular consequence: missense variant.
Genome position (GRCh38, 1-based): chr8:24,953,568, G>T on the plus strand (C>A on the coding strand, the complement: NEFL is on the minus strand). VCF-style: chr8-24953568-G-T. GRCh37 (hg19) VCF-style: chr8-24811082-G-T.
Other names: short protein forms A466D.
Identifiers: ClinVar variation 4530005 (VCV004530005.1).

ClinVar aggregate classification (germline): Uncertain significance (1 of 4 stars; one submission).

Submission:

GeneDx
Classification: Uncertain significance. Last evaluated: 2025-05-13. Review status: criteria provided, single submitter. Criteria: GeneDx Variant Classification Process June 2021. Collection method: clinical testing. Allele origin: germline. Affected: yes.
Comment: Not observed at significant frequency in large population cohorts (gnomAD); Has not been previously published as pathogenic or benign to our knowledge; In silico analysis does not support a benign or deleterious effect of this variant on protein structure/function